The following is an entry in ClinVar:

ClinVar aggregate classification (germline): not provided (0 of 4 stars; one submission).

Conditions:
Intellectual disability, X-linked 102 (MRXSSB). Also called: Intellectual developmental disorder, X-linked syndromic, Snijders Blok type. Identifiers: Orphanet 457260, MedGen C5393299, MONDO:0010497, OMIM 300958.

Submission:

GeneReviews
No classification provided. Condition: Intellectual disability, X-linked 102. Review status: no classification provided. Collection method: literature only. Allele origin: germline.
Comment: Observed in affected males w/de novo occurrence [Wang et al 2018, Nicola et al 2019]

Literature cited by the submitters: PubMed 30734472; NCBI Bookshelf NBK561282.

NM_001356.5(DDX3X):c.443+3A>T

Gene: DDX3X (DEAD-box helicase 3 X-linked; plus strand). Cytogenetic location: Xp11.4.
Variant type: single nucleotide variant.
Coding change: c.443+3A>T on transcript NM_001356.5 (MANE Select); 3 bases into the intron after coding-DNA position 443, A replaced by T.
Molecular consequence: intron variant.
Genome position (GRCh38, 1-based): chrX:41,342,656, A>T. VCF-style: chrX-41342656-A-T. GRCh37 (hg19) VCF-style: chrX-41201909-A-T.
Other names: c.443+3A>T (NM_001193416.3); c.395+3A>T (NM_001193417.3); c.-116+3A>T (NM_001363819.1).
Identifiers: ClinVar variation 1342019 (VCV001342019.2), dbSNP rs2147350644, ClinGen allele CA2573055311.